The following is an entry in ClinVar:

ClinVar aggregate classification (germline): Uncertain significance (1 of 4 stars; one submission).

Conditions:
Fanconi anemia (FA). Also called: Fanconi's anemia. Identifiers: Orphanet 84, MedGen C0015625, MeSH D005199, MONDO:0019391.

Submission:

Labcorp Genetics (formerly Invitae), Labcorp
Classification: Uncertain significance for Fanconi anemia. Last evaluated: 2024-02-26. Review status: criteria provided, single submitter. Criteria: Invitae Variant Classification Sherloc (09022015). Collection method: clinical testing. Allele origin: germline.
Comment: This sequence change replaces glutamine, which is neutral and polar, with arginine, which is basic and polar, at codon 300 of the FANCF protein (p.Gln300Arg). This variant is not present in population databases (gnomAD no frequency). This variant has not been reported in the literature in individuals affected with FANCF-related conditions. ClinVar contains an entry for this variant (Variation ID: 1411943). Advanced modeling of protein sequence and biophysical properties (such as structural, functional, and spatial information, amino acid conservation, physicochemical variation, residue mobility, and thermodynamic stability) performed at Invitae indicates that this missense variant is not expected to disrupt FANCF protein function with a negative predictive value of 80%. In summary, the available evidence is currently insufficient to determine the role of this variant in disease. Therefore, it has been classified as a Variant of Uncertain Significance.

NM_022725.4(FANCF):c.899A>G (p.Gln300Arg)

Genes: FANCF (FA complementation group F; minus strand), LOC130005444 (ATAC-STARR-seq lymphoblastoid active region 4534; plus strand). Cytogenetic location: 11p14.3.
Variant type: single nucleotide variant.
Coding change: c.899A>G on transcript NM_022725.4 (MANE Select); coding-DNA position 899, A replaced by G.
Protein change: p.Gln300Arg; replaces glutamine 300 with arginine.
Molecular consequence: missense variant.
Genome position (GRCh38, 1-based): chr11:22,624,912, T>C on the plus strand (A>G on the coding strand, the complement: FANCF is on the minus strand). VCF-style: chr11-22624912-T-C. GRCh37 (hg19) VCF-style: chr11-22646458-T-C.
Other names: short protein forms Q300R.
Identifiers: ClinVar variation 1411943 (VCV001411943.8), dbSNP rs915379462, ClinGen allele CA219086609.